The following is an entry in ClinVar:

ClinVar aggregate classification (germline): Uncertain significance (1 of 4 stars; one submission).

Conditions:
Mucopolysaccharidosis, MPS-IV-B (MPS4B). Also called: MORQUIO SYNDROME B; Mucopolysaccharidosis Type IVB (Morquio B Disease); Mucopolysaccharidosis type 4B; Mucopolysaccharidosis type IVB (Morquio); MPS IVB; Mucopolysaccharidosis type IV B. Identifiers: Orphanet 309310, Orphanet 582, MedGen C0086652, MONDO:0009660, OMIM 253010.
GM1 gangliosidosis. Identifiers: Orphanet 354, MedGen C0085131, MONDO:0018149.

Allele frequency attached by ClinVar (database versions not stated): gnomAD exomes below 0.00001 and 0.00001; TOPMed below 0.00001; ExAC 0.00001; gnomAD 0.00001.
gnomAD v4.1: 4 of 1,613,876 alleles (0.00025%); highest among the groups gnomAD compares: Non-Finnish European, 0.00034%; no homozygotes.

Submission:

Labcorp Genetics (formerly Invitae), Labcorp
Classification: Uncertain significance for Mucopolysaccharidosis, MPS-IV-B; GM1 gangliosidosis. Last evaluated: 2022-11-01. Review status: criteria provided, single submitter. Criteria: Invitae Variant Classification Sherloc (09022015). Collection method: clinical testing. Allele origin: germline.
Comment: In summary, the available evidence is currently insufficient to determine the role of this variant in disease. Therefore, it has been classified as a Variant of Uncertain Significance. Advanced modeling of protein sequence and biophysical properties (such as structural, functional, and spatial information, amino acid conservation, physicochemical variation, residue mobility, and thermodynamic stability) performed at Invitae indicates that this missense variant is expected to disrupt GLB1 protein function. ClinVar contains an entry for this variant (Variation ID: 1419496). This variant has not been reported in the literature in individuals affected with GLB1-related conditions. This variant is present in population databases (rs766019573, gnomAD 0.0009%). This sequence change replaces glycine, which is neutral and non-polar, with serine, which is neutral and polar, at codon 235 of the GLB1 protein (p.Gly235Ser).

NM_000404.4(GLB1):c.703G>A (p.Gly235Ser)

Gene: GLB1 (galactosidase beta 1; minus strand). Cytogenetic location: 3p22.3.
Variant type: single nucleotide variant.
Coding change: c.703G>A on transcript NM_000404.4 (MANE Select); coding-DNA position 703, G replaced by A.
Protein change: p.Gly235Ser; replaces glycine 235 with serine.
Molecular consequence: missense variant. On other transcripts: intron variant (1).
Genome position (GRCh38, 1-based): chr3:33,058,119, C>T on the plus strand (G>A on the coding strand, the complement: GLB1 is on the minus strand). VCF-style: chr3-33058119-C-T. GRCh37 (hg19) VCF-style: chr3-33099611-C-T.
Other names: c.613G>A, p.Gly205Ser (NM_001079811.3); c.847G>A, p.Gly283Ser (NM_001317040.2); c.703G>A, p.Gly235Ser (NM_001393580.1); c.341-4570G>A (NM_001135602.3); short protein forms G235S, G205S, G283S.
Identifiers: ClinVar variation 1419496 (VCV001419496.6), dbSNP rs766019573, ClinGen allele CA2299630.